The following is an entry in ClinVar:

ClinVar aggregate classification (germline): Uncertain significance (1 of 4 stars; one submission).

Allele frequency attached by ClinVar (database versions not stated): TOPMed below 0.00001.

Submission:

Labcorp Genetics (formerly Invitae), Labcorp
Classification: Uncertain significance. Last evaluated: 2024-11-05. Review status: criteria provided, single submitter. Criteria: Invitae Variant Classification Sherloc (09022015). Collection method: clinical testing. Allele origin: germline.
Comment: This sequence change replaces valine, which is neutral and non-polar, with alanine, which is neutral and non-polar, at codon 648 of the LEMD3 protein (p.Val648Ala). This variant is not present in population databases (gnomAD no frequency). This variant has not been reported in the literature in individuals affected with LEMD3-related conditions. ClinVar contains an entry for this variant (Variation ID: 3013071). Invitae Evidence Modeling of protein sequence and biophysical properties (such as structural, functional, and spatial information, amino acid conservation, physicochemical variation, residue mobility, and thermodynamic stability) indicates that this missense variant is not expected to disrupt LEMD3 protein function with a negative predictive value of 80%. In summary, the available evidence is currently insufficient to determine the role of this variant in disease. Therefore, it has been classified as a Variant of Uncertain Significance.

NM_014319.5(LEMD3):c.1943T>C (p.Val648Ala)

Gene: LEMD3 (LEM domain containing 3; plus strand). Cytogenetic location: 12q14.3.
Variant type: single nucleotide variant.
Coding change: c.1943T>C on transcript NM_014319.5 (MANE Select); coding-DNA position 1943, T replaced by C.
Protein change: p.Val648Ala; replaces valine 648 with alanine.
Molecular consequence: missense variant.
Genome position (GRCh38, 1-based): chr12:65,239,950, T>C. VCF-style: chr12-65239950-T-C. GRCh37 (hg19) VCF-style: chr12-65633730-T-C.
Other names: c.1940T>C, p.Val647Ala (NM_001167614.2); short protein forms V647A, V648A.
Identifiers: ClinVar variation 3013071 (VCV003013071.3), dbSNP rs1870880905, ClinGen allele CA385671808.